The following is an entry in ClinVar:

ClinVar aggregate classification (germline): Pathogenic. Review status: criteria provided, multiple submitters, no conflicts (2 of 4 stars). 2 submissions from 2 submitters: Pathogenic (2). Last evaluated 2023-11-27.

Conditions:
Early-infantile DEE. Also called: Early infantile epileptic encephalopathy with suppression bursts; Early infantile epileptic encephalopathy; Ohtahara syndrome. Identifiers: Orphanet 1934, MedGen C0393706, MONDO:0800491.
Severe myoclonic epilepsy in infancy (DRVT). Also called: Epileptic encephalopathy, early infantile, 6 (Dravet syndrome); SEVERE MYOCLONIC EPILEPSY OF INFANCY; DEVELOPMENTAL AND EPILEPTIC ENCEPHALOPATHY 6A; Dravet syndrome; Severe Myoclonic Epilepsy in Infancy (SMEI). Identifiers: Orphanet 33069, MedGen C0751122, MONDO:0100135, OMIM 607208.

Submissions (2):

Labcorp Genetics (formerly Invitae), Labcorp
Classification: Pathogenic for Early-infantile DEE. Last evaluated: 2023-11-27. Review status: criteria provided, single submitter. Criteria: Invitae Variant Classification Sherloc (09022015). Collection method: clinical testing. Allele origin: germline.
Comment: This sequence change replaces glycine, which is neutral and non-polar, with arginine, which is basic and polar, at codon 396 of the SCN1A protein (p.Gly396Arg). This variant is not present in population databases (gnomAD no frequency). This missense change has been observed in individual(s) with Dravet syndrome (PMID: 35087721). In at least one individual the variant was observed to be de novo. ClinVar contains an entry for this variant (Variation ID: 2572473). Advanced modeling of protein sequence and biophysical properties (such as structural, functional, and spatial information, amino acid conservation, physicochemical variation, residue mobility, and thermodynamic stability) performed at Invitae indicates that this missense variant is expected to disrupt SCN1A protein function with a positive predictive value of 95%. For these reasons, this variant has been classified as Pathogenic.

3billion
Classification: Pathogenic for Severe myoclonic epilepsy in infancy. Review status: criteria provided, single submitter. Criteria: ACMG Guidelines, 2015. Collection method: clinical testing. Allele origin: unknown. Affected: yes. Observed: 1 heterozygote.
Comment: The variant is not observed in the gnomAD v2.1.1 dataset. Missense changes are a common disease-causing mechanism. In silico tool predictions suggest damaging effect of the variant on gene or gene product (REVEL: 0.96; 3Cnet: 1.00). Same nucleotide change resulting in same amino acid change has been previously reported to be associated with SCN1A related disorder (PMID: 35087721). The variant has been previously reported as de novo in a similarly affected individual (PMID: 35087721). Different missense changes at the same codon (p.Gly396Glu, p.Gly396Trp) have been reported to be associated with SCN1A related disorder (PMID: 21868258, 35074891). Therefore, this variant is classified as Pathogenic according to the recommendation of ACMG/AMP guideline.

Literature cited by the submitters: PubMed 35087721 (cited by Labcorp Genetics (formerly Invitae), Labcorp and 3billion); PubMed 35074891 (cited by 3billion); PubMed 21868258 (cited by 3billion).

NM_001165963.4(SCN1A):c.1186G>A (p.Gly396Arg)

Gene: SCN1A (sodium voltage-gated channel alpha subunit 1; minus strand). Cytogenetic location: 2q24.3.
Variant type: single nucleotide variant.
Coding change: c.1186G>A on transcript NM_001165963.4 (MANE Select); coding-DNA position 1186, G replaced by A.
Protein change: p.Gly396Arg; replaces glycine 396 with arginine.
Molecular consequence: missense variant. On other transcripts: 5 prime UTR variant (1), non-coding transcript variant (1).
Genome position (GRCh38, 1-based): chr2:166,046,961, C>T on the plus strand (G>A on the coding strand, the complement: SCN1A is on the minus strand). VCF-style: chr2-166046961-C-T. GRCh37 (hg19) VCF-style: chr2-166903471-C-T.
Other names: c.1186G>A, p.Gly396Arg (NM_001165964.3, NM_001202435.3, NM_001353948.2 and 10 more transcripts); c.-1240G>A (NM_001353961.2); short protein forms G396R.
Identifiers: ClinVar variation 2572473 (VCV002572473.4), dbSNP rs2468182612, ClinGen allele CA349071025.